The following is an entry in ClinVar:

NM_007118.4(TRIO):c.9144G>A (p.Gln3048=)

Gene: TRIO (trio Rho guanine nucleotide exchange factor; plus strand). Cytogenetic location: 5p15.2.
Variant type: single nucleotide variant.
Coding change: c.9144G>A on transcript NM_007118.4 (MANE Select); coding-DNA position 9144, G replaced by A.
Protein change: p.Gln3048=; no amino-acid change (glutamine 3048 retained).
Molecular consequence: synonymous variant. On other transcripts: non-coding transcript variant (1).
Genome position (GRCh38, 1-based): chr5:14,508,272, G>A. VCF-style: chr5-14508272-G-A. GRCh37 (hg19) VCF-style: chr5-14508381-G-A.
Identifiers: ClinVar variation 2655364 (VCV002655364.24), dbSNP rs1181327266, ClinGen allele CA443537978.

ClinVar aggregate classification (germline): Likely benign (1 of 4 stars; one submission).

Allele frequency attached by ClinVar (database versions not stated): gnomAD exomes below 0.00001; gnomAD 0.00001; TOPMed 0.00001.
gnomAD v4.1: 5 of 1,613,810 alleles (0.00031%); highest among the groups gnomAD compares: African/African-American, 0.0053%; no homozygotes.

Submission:

CeGaT Center for Human Genetics Tuebingen
Classification: Likely benign. Last evaluated: 2022-09-01. Review status: criteria provided, single submitter. Criteria: CeGaT Center For Human Genetics Tuebingen Variant Classification Criteria Version 2. Collection method: clinical testing. Allele origin: germline. Affected: yes. Observed: 1 variant allele.
Comment: TRIO: BP4, BP7